The following is an entry in ClinVar:

NM_001145809.2(MYH14):c.223G>A (p.Glu75Lys)

Gene: MYH14 (myosin heavy chain 14; plus strand). Cytogenetic location: 19q13.33.
Variant type: single nucleotide variant.
Coding change: c.223G>A on transcript NM_001145809.2 (MANE Select); coding-DNA position 223, G replaced by A.
Protein change: p.Glu75Lys; replaces glutamic acid 75 with lysine.
Molecular consequence: missense variant.
Genome position (GRCh38, 1-based): chr19:50,210,588, G>A. VCF-style: chr19-50210588-G-A. GRCh37 (hg19) VCF-style: chr19-50713845-G-A.
Other names: c.223G>A, p.Glu75Lys (NM_001077186.2, NM_024729.4); short protein forms E75K.
Identifiers: ClinVar variation 3899463 (VCV003899463.1).

ClinVar aggregate classification (germline): Uncertain significance (1 of 4 stars; one submission).

gnomAD v4.1: 3 of 1,575,338 alleles (0.00019%); highest among the groups gnomAD compares: Non-Finnish European, 0.00026%; no homozygotes.

Submission:

GeneDx
Classification: Uncertain significance. Last evaluated: 2024-11-13. Review status: criteria provided, single submitter. Criteria: GeneDx Variant Classification Process June 2021. Collection method: clinical testing. Allele origin: germline. Affected: yes.
Comment: Not observed at significant frequency in large population cohorts (gnomAD); In silico analysis indicates that this missense variant does not alter protein structure/function; Has not been previously published as pathogenic or benign to our knowledge